The following is an entry in ClinVar:

NM_025099.6(CTC1):c.2343G>A (p.Trp781Ter)

Gene: CTC1 (CST telomere replication complex component 1; minus strand). Cytogenetic location: 17p13.1.
Variant type: single nucleotide variant.
Coding change: c.2343G>A on transcript NM_025099.6 (MANE Select); coding-DNA position 2343, G replaced by A.
Protein change: p.Trp781Ter; replaces tryptophan 781 with a stop codon.
Molecular consequence: nonsense. On other transcripts: non-coding transcript variant (1).
Genome position (GRCh38, 1-based): chr17:8,231,945, C>T on the plus strand (G>A on the coding strand, the complement: CTC1 is on the minus strand). VCF-style: chr17-8231945-C-T. GRCh37 (hg19) VCF-style: chr17-8135263-C-T.
Other names: c.2343G>A, p.Trp781Ter (NM_001411067.1); short protein forms W781*.
Identifiers: ClinVar variation 4725884 (VCV004725884.1).
Genomic context (GRCh38, chr17:8,231,945, plus strand): 5'-CCTGGAGTCCCAGTTTACCTTCTGATCATTGTCGTCATTTCCCTGGGGCTCGGGCAGCCC[C>T]CATCCAGTACCCTCCTTCCTCTGGGTGCCCCCAAGCCAGCTCCCCAACACATAGAAACTG-3'

ClinVar aggregate classification (germline): Pathogenic (1 of 4 stars; one submission).

Conditions:
Dyskeratosis congenita. Identifiers: Orphanet 1775, MedGen C0265965, MONDO:0015780.

Submission:

Labcorp Genetics (formerly Invitae), Labcorp
Classification: Pathogenic for Dyskeratosis congenita. Last evaluated: 2025-08-23. Review status: criteria provided, single submitter. Criteria: Invitae Variant Classification Sherloc (09022015). Collection method: clinical testing. Allele origin: germline.
Comment: This sequence change creates a premature translational stop signal (p.Trp781*) in the CTC1 gene. It is expected to result in an absent or disrupted protein product. Loss-of-function variants in CTC1 are known to be pathogenic (PMID: 22267198, 22387016). This variant is not present in population databases (gnomAD no frequency). This variant has not been reported in the literature in individuals affected with CTC1-related conditions. For these reasons, this variant has been classified as Pathogenic.

Literature cited by the submitters: PubMed 22267198; PubMed 22387016.